The following is an entry in ClinVar:

ClinVar aggregate classification (germline): Uncertain significance (1 of 4 stars; one submission).

Conditions:
Aneurysm-osteoarthritis syndrome. Also called: ANEURYSMS-OSTEOARTHRITIS SYNDROME; LOEYS-DIETZ SYNDROME WITH OSTEOARTHRITIS; SMAD3-Related Loeys-Dietz Syndrome; Loeys-Dietz syndrome, type 1C. Identifiers: Orphanet 284984, MedGen C3151087, MONDO:0013426, OMIM 613795.

Submission:

3billion
Classification: Uncertain significance for Aneurysm-osteoarthritis syndrome. Last evaluated: 2025-12-18. Review status: criteria provided, single submitter. Criteria: ACMG Guidelines, 2015. Collection method: clinical testing. Allele origin: germline. Affected: yes.
Comment: The variant is not observed in the gnomAD v4.1.0 dataset. Predicted Consequence/Location: The variant is located in a mutational hot spot and/or well-established functional domain in which established pathogenic variants have been reported (PMID: 29392890). In silico tool predictions suggest damaging effect of the variant on gene or gene product [REVEL: 0.88 (>=0.6, sensitivity 0.68 and specificity 0.92); 3Cnet: 0.99 (> 0.75, sensitivity 0.96 and precision 0.92)]. The variant has been reported as of uncertain significance (ClinVar ID: VCV000649475, VCV001710008). Therefore, this variant is classified as VUS according to the recommendation of ACMG/AMP guideline.

NM_005902.4(SMAD3):c.807C>G (p.Phe269Leu)

Gene: SMAD3 (SMAD family member 3; plus strand). Cytogenetic location: 15q22.33.
Variant type: single nucleotide variant.
Coding change: c.807C>G on transcript NM_005902.4 (MANE Select); coding-DNA position 807, C replaced by G.
Protein change: p.Phe269Leu; replaces phenylalanine 269 with leucine.
Molecular consequence: missense variant.
Genome position (GRCh38, 1-based): chr15:67,181,389, C>G. VCF-style: chr15-67181389-C-G. GRCh37 (hg19) VCF-style: chr15-67473727-C-G.
Other names: c.492C>G, p.Phe164Leu (NM_001145102.2, NM_001407016.1); c.675C>G, p.Phe225Leu (NM_001145103.2, NM_001407012.1); c.222C>G, p.Phe74Leu (NM_001145104.2, NM_001407017.1); c.807C>G, p.Phe269Leu (NM_001407011.1, NM_001407013.1); c.660C>G, p.Phe220Leu (NM_001407014.1); c.360C>G, p.Phe120Leu (NM_001407015.1); short protein forms F120L, F164L, F220L, F225L, F269L, F74L.
Identifiers: ClinVar variation 4855753 (VCV004855753.1).
Genomic context (GRCh38, chr15:67,181,389, plus strand): 5'-CGCCTCGCAGCCATCCATGACTGTGGATGGCTTCACCGACCCCTCCAATTCGGAGCGCTT[C>G]TGCCTAGGGCTGCTCTCCAATGTCAACAGGAATGCAGCAGTGGAGCTGACACGGAGACAC-3'
Protein context (NP_005893.1, residues 259-279): GFTDPSNSER[Phe269Leu]CLGLLSNVNR